The following is an entry in ClinVar:

NM_007272.3(CTRC):c.566T>C (p.Ile189Thr)

Gene: CTRC (chymotrypsin C; plus strand). Cytogenetic location: 1p36.21.
Variant type: single nucleotide variant.
Coding change: c.566T>C on transcript NM_007272.3 (MANE Select); coding-DNA position 566, T replaced by C.
Protein change: p.Ile189Thr; replaces isoleucine 189 with threonine.
Molecular consequence: missense variant.
Genome position (GRCh38, 1-based): chr1:15,444,678, T>C. VCF-style: chr1-15444678-T-C. GRCh37 (hg19) VCF-style: chr1-15771173-T-C.
Other names: short protein forms I189T.
Identifiers: ClinVar variation 1748963 (VCV001748963.3), dbSNP rs2526301376, ClinGen allele CA338567200.

ClinVar aggregate classification (germline): Uncertain significance (1 of 4 stars; one submission).

Conditions:
Hereditary pancreatitis (PCTT). Also called: Hereditary chronic pancreatitis; PRSS1-Related Hereditary Pancreatitis. Identifiers: Orphanet 676, MedGen C0238339, MONDO:0008185, OMIM 167800.

Allele frequency attached by ClinVar (database versions not stated): gnomAD exomes below 0.00001.

Submission:

Ambry Genetics
Classification: Uncertain significance for Hereditary pancreatitis. Last evaluated: 2024-09-02. Review status: criteria provided, single submitter. Criteria: Ambry Variant Classification Scheme 2023. Collection method: clinical testing. Allele origin: germline.
Comment: The p.I189T variant (also known as c.566T>C), located in coding exon 6 of the CTRC gene, results from a T to C substitution at nucleotide position 566. The isoleucine at codon 189 is replaced by threonine, an amino acid with similar properties. This amino acid position is conserved. In addition, this alteration is predicted to be tolerated by in silico analysis. Since supporting evidence is limited at this time, the clinical significance of this alteration remains unclear.